The following is an entry in ClinVar:

ClinVar aggregate classification (germline): Uncertain significance (1 of 4 stars; one submission).

Conditions:
Myofibrillar myopathy 5. Also called: FILAMINOPATHY, AUTOSOMAL DOMINANT; Filaminopathy (type). Identifiers: Orphanet 171445, MedGen C1836050, MONDO:0012289, OMIM 609524.
Distal myopathy with posterior leg and anterior hand involvement. Also called: WILLIAMS DISTAL MYOPATHY. Identifiers: Orphanet 63273, MedGen C3279722, MONDO:0013550, OMIM 614065.
Hypertrophic cardiomyopathy 26. Also called: Cardiomyopathy, familial hypertrophic, 26. Identifiers: Orphanet 75249, MedGen C4310749, MONDO:0014883, OMIM 617047.

Allele frequency attached by ClinVar (database versions not stated): gnomAD exomes below 0.00001; TOPMed 0.00002; gnomAD 0.00003 and 0.00004.
gnomAD v4.1: 6 of 1,613,902 alleles (0.00037%); highest among the groups gnomAD compares: Admixed American, 0.01%; no homozygotes.

Submission:

Labcorp Genetics (formerly Invitae), Labcorp
Classification: Uncertain significance for Distal myopathy with posterior leg and anterior hand involvement; Myofibrillar myopathy 5; Hypertrophic cardiomyopathy 26. Last evaluated: 2022-09-01. Review status: criteria provided, single submitter. Criteria: Invitae Variant Classification Sherloc (09022015). Collection method: clinical testing. Allele origin: germline.
Comment: This variant is present in population databases (no rsID available, gnomAD 0.003%). In summary, the available evidence is currently insufficient to determine the role of this variant in disease. Therefore, it has been classified as a Variant of Uncertain Significance. Algorithms developed to predict the effect of missense changes on protein structure and function (SIFT, PolyPhen-2, Align-GVGD) all suggest that this variant is likely to be tolerated. ClinVar contains an entry for this variant (Variation ID: 860161). This variant has not been reported in the literature in individuals affected with FLNC-related conditions. This sequence change replaces glutamic acid, which is acidic and polar, with aspartic acid, which is acidic and polar, at codon 1903 of the FLNC protein (p.Glu1903Asp).

NM_001458.5(FLNC):c.5709G>T (p.Glu1903Asp)

Genes: FLNC-AS1 (FLNC antisense RNA 1; minus strand), FLNC (filamin C; plus strand). Cytogenetic location: 7q32.1.
Variant type: single nucleotide variant.
Coding change: c.5709G>T on transcript NM_001458.5 (MANE Select); coding-DNA position 5709, G replaced by T.
Protein change: p.Glu1903Asp; replaces glutamic acid 1903 with aspartic acid.
Molecular consequence: missense variant. On other transcripts: non-coding transcript variant (1).
Genome position (GRCh38, 1-based): chr7:128,851,495, G>T. VCF-style: chr7-128851495-G-T. GRCh37 (hg19) VCF-style: chr7-128491549-G-T.
Other names: c.5610G>T, p.Glu1870Asp (NM_001127487.2); short protein forms E1870D, E1903D.
Identifiers: ClinVar variation 860161 (VCV000860161.10), dbSNP rs1279073825, ClinGen allele CA369208097.
Genomic context (GRCh38, chr7:128,851,495, plus strand): 5'-GGCCACACCTCCACCTACAGGGGGTCTGTCACTGGCCGTGGAGGGCCCATCCAAGGCAGA[G>T]ATCACCTGTAAGGACAACAAGGATGGCACCTGCACCGTGTCCTATCTGCCGACTGCGCCT-3'
Protein context (NP_001449.3, residues 1893-1913): SLAVEGPSKA[Glu1903Asp]ITCKDNKDGT